The following is an entry in ClinVar:

ClinVar aggregate classification (germline): Uncertain significance (1 of 4 stars; one submission).

gnomAD v4.1: 1 of 1,614,186 alleles (0.000062%); highest among the groups gnomAD compares: Non-Finnish European, 0.000085%; no homozygotes.

Submission:

GeneDx
Classification: Uncertain significance. Last evaluated: 2024-06-17. Review status: criteria provided, single submitter. Criteria: GeneDx Variant Classification Process June 2021. Collection method: clinical testing. Allele origin: germline. Affected: yes.
Comment: Has not been previously published as pathogenic or benign to our knowledge; Not observed at significant frequency in large population cohorts (gnomAD); In silico analysis supports a deleterious effect on splicing

NM_000090.4(COL3A1):c.4197A>G (p.Glu1399=)

Gene: COL3A1 (collagen type III alpha 1 chain; plus strand). Cytogenetic location: 2q32.2.
Variant type: single nucleotide variant.
Coding change: c.4197A>G on transcript NM_000090.4 (MANE Select); coding-DNA position 4197, A replaced by G.
Protein change: p.Glu1399=; no amino-acid change (glutamic acid 1399 retained).
Molecular consequence: synonymous variant.
Genome position (GRCh38, 1-based): chr2:189,010,833, A>G. VCF-style: chr2-189010833-A-G. GRCh37 (hg19) VCF-style: chr2-189875559-A-G.
Identifiers: ClinVar variation 1328670 (VCV001328670.3), dbSNP rs2153504345, ClinGen allele CA430314305.